The following is an entry in ClinVar:

ClinVar aggregate classification (germline): Conflicting classifications of pathogenicity. Review status: criteria provided, conflicting classifications (1 of 4 stars). 4 submissions from 4 submitters: Uncertain significance (3); Benign (1). Last evaluated 2025-10-21.

Conditions:
Familial thoracic aortic aneurysm and aortic dissection (TAAD). Also called: Thoracic aortic aneurysms and dissections. Identifiers: Orphanet 91387, MedGen C4707243, MONDO:0019625.
Adams-Oliver syndrome 5 (AOS5). Identifiers: Orphanet 974, MedGen C4014970, MONDO:0014459, OMIM 616028.

Allele frequency attached by ClinVar (database versions not stated): TOPMed 0.00001; gnomAD 0.00002; gnomAD exomes 0.00002.
gnomAD v4.1: 13 of 1,611,492 alleles (0.00081%); highest among the groups gnomAD compares: Admixed American, 0.0083%; no homozygotes.

Submissions (4):

Labcorp Genetics (formerly Invitae), Labcorp
Classification: Benign for Adams-Oliver syndrome 5. Last evaluated: 2025-10-21. Review status: criteria provided, single submitter. Criteria: Invitae Variant Classification Sherloc (09022015). Collection method: clinical testing. Allele origin: germline.

Ambry Genetics
Classification: Uncertain significance for Familial thoracic aortic aneurysm and aortic dissection. Last evaluated: 2025-04-23. Review status: criteria provided, single submitter. Criteria: Ambry Variant Classification Scheme 2023. Collection method: clinical testing. Allele origin: germline.
Comment: The p.R112C variant (also known as c.334C>T), located in coding exon 3 of the NOTCH1 gene, results from a C to T substitution at nucleotide position 334. The arginine at codon 112 is replaced by cysteine, an amino acid with highly dissimilar properties. This amino acid position is not well conserved in available vertebrate species. In addition, the in silico prediction for this alteration is inconclusive. Based on the available evidence, the clinical significance of this variant remains unclear.

GeneDx
Classification: Uncertain significance. Last evaluated: 2023-08-21. Review status: criteria provided, single submitter. Criteria: GeneDx Variant Classification Process June 2021. Collection method: clinical testing. Allele origin: germline. Affected: yes.
Comment: Not observed at significant frequency in large population cohorts (gnomAD); In silico analysis supports that this missense variant has a deleterious effect on protein structure/function; Has not been previously published as pathogenic or benign to our knowledge

CHEO Genetics Diagnostic Laboratory, Children's Hospital of Eastern Ontario
Classification: Uncertain significance for Familial thoracic aortic aneurysm and aortic dissection. Last evaluated: 2017-04-18. Review status: criteria provided, single submitter. Criteria: ACMG Guidelines, 2015. Collection method: clinical testing. Allele origin: germline. Study: Canadian Open Genetics Repository.

NM_017617.5(NOTCH1):c.334C>T (p.Arg112Cys)

Gene: NOTCH1 (notch receptor 1; minus strand). Cytogenetic location: 9q34.3.
Variant type: single nucleotide variant.
Coding change: c.334C>T on transcript NM_017617.5 (MANE Select); coding-DNA position 334, C replaced by T.
Protein change: p.Arg112Cys; replaces arginine 112 with cysteine.
Molecular consequence: missense variant.
Genome position (GRCh38, 1-based): chr9:136,523,786, G>A on the plus strand (C>T on the coding strand, the complement: NOTCH1 is on the minus strand). VCF-style: chr9-136523786-G-A. GRCh37 (hg19) VCF-style: chr9-139418238-G-A.
Other names: c.334C>T, p.Arg112Cys (LRG_1122t1); short protein forms R112C.
Identifiers: ClinVar variation 626583 (VCV000626583.7), dbSNP rs1399392600, ClinGen allele CA375572652.